The following is an entry in ClinVar:

ClinVar aggregate classification (germline): Likely pathogenic (1 of 4 stars; one submission).

Submission:

CeGaT Center for Human Genetics Tuebingen
Classification: Likely pathogenic. Last evaluated: 2025-10-01. Review status: criteria provided, single submitter. Criteria: CeGaT Center For Human Genetics Tuebingen Variant Classification Criteria Version 2. Collection method: clinical testing. Allele origin: germline. Affected: yes. Observed: 1 variant allele.
Comment: GCH1: PS4, PM2, PP1, PP3

NM_000161.3(GCH1):c.488T>G (p.Leu163Arg)

Gene: GCH1 (GTP cyclohydrolase 1; minus strand). Cytogenetic location: 14q22.2.
Variant type: single nucleotide variant.
Coding change: c.488T>G on transcript NM_000161.3 (MANE Select); coding-DNA position 488, T replaced by G.
Protein change: p.Leu163Arg; replaces leucine 163 with arginine.
Molecular consequence: missense variant.
Genome position (GRCh38, 1-based): chr14:54,859,702, A>C on the plus strand (T>G on the coding strand, the complement: GCH1 is on the minus strand). VCF-style: chr14-54859702-A-C. GRCh37 (hg19) VCF-style: chr14-55326420-A-C.
Other names: c.488T>G, p.Leu163Arg (NM_001024024.2, NM_001024070.2, NM_001024071.2 and 1 more transcripts); c.194T>G, p.Leu65Arg (NM_001424105.1); short protein forms L163R, L65R.
Identifiers: ClinVar variation 4533742 (VCV004533742.6).